The following is an entry in ClinVar:

NM_013382.7(POMT2):c.47C>G (p.Pro16Arg)

Gene: POMT2 (protein O-mannosyltransferase 2; minus strand). Cytogenetic location: 14q24.3.
Variant type: single nucleotide variant.
Coding change: c.47C>G on transcript NM_013382.7 (MANE Select); coding-DNA position 47, C replaced by G.
Protein change: p.Pro16Arg; replaces proline 16 with arginine.
Molecular consequence: missense variant.
Genome position (GRCh38, 1-based): chr14:77,320,635, G>C on the plus strand (C>G on the coding strand, the complement: POMT2 is on the minus strand). VCF-style: chr14-77320635-G-C. GRCh37 (hg19) VCF-style: chr14-77786978-G-C.
Other names: short protein forms P16R.
Identifiers: ClinVar variation 471395 (VCV000471395.12), dbSNP rs778898705, ClinGen allele CA7286294.

ClinVar aggregate classification (germline): Uncertain significance. Review status: criteria provided, multiple submitters, no conflicts (2 of 4 stars). 2 submissions from 2 submitters: Uncertain significance (2). Last evaluated 2017-05-25.

Conditions:
Muscular dystrophy-dystroglycanopathy (congenital with brain and eye anomalies), type A2. Also called: MUSCULAR DYSTROPHY-DYSTROGLYCANOPATHY (CONGENITAL WITH BRAIN AND EYE ANOMALIES), TYPE A, 2; WALKER-WARBURG SYNDROME OR MUSCLE-EYE-BRAIN DISEASE, POMT2-RELATED. Identifiers: Orphanet 588, Orphanet 899, MedGen C3150411, MONDO:0013154, OMIM 613150.
Muscular dystrophy-dystroglycanopathy (congenital with impaired intellectual development), type B, 2. Also called: Muscular dystrophy-dystroglycanopathy (congenital with intellectual disability), type B2; MUSCULAR DYSTROPHY, CONGENITAL, POMT2-RELATED. Identifiers: MedGen C3150416, MONDO:0013160, OMIM 613156.
Autosomal recessive limb-girdle muscular dystrophy type 2N. Also called: Muscular dystrophy-dystroglycanopathy (limb-girdle), type C, 2; MUSCULAR DYSTROPHY-DYSTROGLYCANOPATHY, LIMB-GIRDLE, POMT2-RELATED. Identifiers: Orphanet 206559, MedGen C3150418, MONDO:0013162, OMIM 613158.

Allele frequency attached by ClinVar (database versions not stated): gnomAD exomes below 0.00001; ExAC 0.00001; gnomAD 0.00001.
gnomAD v4.1: 1 of 1,592,656 alleles (0.000063%); highest among the groups gnomAD compares: Non-Finnish European, 0.000085%; no homozygotes.

Submissions (2):

Eurofins Ntd Llc (ga)
Classification: Uncertain significance. Last evaluated: 2017-05-25. Review status: criteria provided, single submitter. Criteria: EGL Classification Definitions 2015. Collection method: clinical testing. Allele origin: germline. Observed: 1 variant allele, 1 heterozygote.

Labcorp Genetics (formerly Invitae), Labcorp
Classification: Uncertain significance for Muscular dystrophy-dystroglycanopathy (congenital with impaired intellectual development), type B, 2; Muscular dystrophy-dystroglycanopathy (congenital with brain and eye anomalies), type A2; Autosomal recessive limb-girdle muscular dystrophy type 2N. Last evaluated: 2017-03-26. Review status: criteria provided, single submitter. Criteria: Invitae Variant Classification Sherloc (09022015). Collection method: clinical testing. Allele origin: germline.
Comment: In summary, this variant is a rare missense change that is not predicted to affect protein function. There is no indication that it causes disease, but the available evidence is currently insufficient to prove that conclusively. Therefore, it has been classified as a Variant of Uncertain Significance. Algorithms developed to predict the effect of missense changes on protein structure and function (SIFT, PolyPhen-2, Align-GVGD) all suggest that this variant is likely to be tolerated, but these predictions have not been confirmed by published functional studies. This variant is present in population databases (rs778898705, ExAC 0.002%) but has not been reported in the literature in individuals with a POMT2-related disease. This sequence change replaces proline with arginine at codon 16 of the POMT2 protein (p.Pro16Arg). The proline residue is moderately conserved and there is a moderate physicochemical difference between proline and arginine.